The following is an entry in ClinVar:

ClinVar aggregate classification (germline): Benign/Likely benign. Review status: criteria provided, multiple submitters, no conflicts (2 of 4 stars). 4 submissions from 4 submitters: Benign (1); Likely benign (2). 1 of the submissions does not count toward it. Last evaluated 2026-02-16.

Conditions:
Curry-Hall syndrome (WAD). Also called: WEYERS ACRODENTAL DYSOSTOSIS. Identifiers: Orphanet 952, MedGen C0457013, MONDO:0008673, OMIM 193530.
Ellis-van Creveld syndrome (EVC). Also called: Chondroectodermal dysplasia; MESOECTODERMAL DYSPLASIA. Identifiers: Orphanet 289, MedGen C0013903, MONDO:0009162, OMIM 225500.
EVC-related disorder. Also called: EVC-related condition; EVC-related disorders.

Allele frequency attached by ClinVar (database versions not stated): gnomAD 0.00002 and 0.00021; TOPMed 0.00005; 1000 Genomes Project 0.00120; 1000 Genomes Project 30x 0.00125; ExAC 0.00200.
gnomAD v4.1: 680 of 1,588,120 alleles (0.043%); highest among the groups gnomAD compares: South Asian, 0.66%; 7 homozygotes.

Submissions (4):

Women's Health and Genetics/Laboratory Corporation of America, LabCorp
Classification: Likely benign. Last evaluated: 2026-02-16. Review status: criteria provided, single submitter. Criteria: LabCorp Variant Classification Summary - May 2015. Collection method: clinical testing. Allele origin: germline.
Comment: Variant summary: EVC c.1313G>A (p.Arg438Gln) results in a conservative amino acid change in the encoded protein sequence. Algorithms developed to predict the effect of missense changes on protein structure and function all suggest that this variant is likely to be tolerated. Consensus agreement among computation tools predict no significant impact on normal splicing. However, these predictions have yet to be confirmed by functional studies. The variant allele was found at a frequency of 0.00097 in 197256 control chromosomes, predominantly at a frequency of 0.0066 within the South Asian subpopulation in the gnomAD database, including 4 homozygotes. The observed variant frequency within South Asian control individuals in the gnomAD database exceeds the estimated maximal expected allele frequency for disease-causing variants in EVC. To our knowledge, no occurrence of c.1313G>A in individuals affected with EVC-related conditions and no experimental evidence demonstrating its impact on protein function have been reported. ClinVar contains an entry for this variant (Variation ID: 349174). Based on the evidence outlined above, the variant was classified as likely benign.

Labcorp Genetics (formerly Invitae), Labcorp
Classification: Benign for Curry-Hall syndrome; Ellis-van Creveld syndrome. Last evaluated: 2025-10-18. Review status: criteria provided, single submitter. Criteria: Invitae Variant Classification Sherloc (09022015). Collection method: clinical testing. Allele origin: germline.

Illumina Laboratory Services, Illumina
Classification: Likely benign for Ellis-van Creveld syndrome. Last evaluated: 2018-01-13. Review status: criteria provided, single submitter. Criteria: ICSL Variant Classification Criteria 13 December 2019. Collection method: clinical testing. Allele origin: germline.
Comment: This variant was observed in the ICSL laboratory as part of a predisposition screen in an ostensibly healthy population. It had not been previously curated by ICSL or reported in the Human Gene Mutation Database (HGMD: prior to June 1st, 2018), and was therefore a candidate for classification through an automated scoring system. Utilizing variant allele frequency, disease prevalence and penetrance estimates, and inheritance mode, an automated score was calculated to assess if this variant is too frequent to cause the disease. Based on the score and internal cut-off values, a variant classified as likely benign is not then subjected to further curation. The score for this variant resulted in a classification of likely benign for this disease.

PreventionGenetics, part of Exact Sciences
Classification: Likely benign for EVC-related condition. Last evaluated: 2023-04-12. Review status: no assertion criteria provided. Collection method: clinical testing. Allele origin: germline. Not counted in ClinVar's aggregate classification.
Comment: This variant is classified as likely benign based on ACMG/AMP sequence variant interpretation guidelines (Richards et al. 2015 PMID: 25741868, with internal and published modifications).

NM_153717.3(EVC):c.1313G>A (p.Arg438Gln)

Gene: EVC (EvC ciliary complex subunit 1; plus strand). Cytogenetic location: 4p16.2.
Variant type: single nucleotide variant.
Coding change: c.1313G>A on transcript NM_153717.3 (MANE Select); coding-DNA position 1313, G replaced by A.
Protein change: p.Arg438Gln; replaces arginine 438 with glutamine.
Molecular consequence: missense variant.
Genome position (GRCh38, 1-based): chr4:5,753,050, G>A. VCF-style: chr4-5753050-G-A. GRCh37 (hg19) VCF-style: chr4-5754777-G-A.
Other names: c.1313G>A, p.Arg438Gln (NM_001306090.2, NM_001306092.2); short protein forms R438Q.
Identifiers: ClinVar variation 349174 (VCV000349174.19), dbSNP rs373718642, ClinGen allele CA2836053.